The following is an entry in ClinVar:

NM_001378454.1(ALMS1):c.7532G>A (p.Arg2511Gln)

Gene: ALMS1 (ALMS1 centrosome and basal body associated protein; plus strand). Cytogenetic location: 2p13.1.
Variant type: single nucleotide variant.
Coding change: c.7532G>A on transcript NM_001378454.1 (MANE Select); coding-DNA position 7532, G replaced by A.
Protein change: p.Arg2511Gln; replaces arginine 2511 with glutamine.
Molecular consequence: missense variant.
Genome position (GRCh38, 1-based): chr2:73,454,059, G>A. VCF-style: chr2-73454059-G-A. GRCh37 (hg19) VCF-style: chr2-73681186-G-A.
Other names: c.7535G>A, p.Arg2512Gln (NM_015120.4); short protein forms R2511Q, R2512Q.
Identifiers: ClinVar variation 1926645 (VCV001926645.5), dbSNP rs772807204, ClinGen allele CA1714250.
Genomic context (GRCh38, chr2:73,454,059, plus strand): 5'-CCTCACTGAATCATGCTAAAGAAATACTCAGAAATGCAGAGGAAGAGGAAAGCCGGGTAC[G>A]AGCACATGGTAAGAAGAAAGTTTCAGGCTTATAAACGTTATAGTTTAATAATGTGTTTAA-3'
Protein context (NP_001365383.1, residues 2501-2521): RNAEEEESRV[Arg2511Gln]AHAWNMKFNL

ClinVar aggregate classification (germline): Uncertain significance (1 of 4 stars; one submission).

Conditions:
Alstrom syndrome (ALMS). Identifiers: Orphanet 64, MedGen C0268425, MONDO:0008763, OMIM 203800.

Allele frequency attached by ClinVar (database versions not stated): TOPMed 0.00001; ExAC 0.00003.
gnomAD v4.1: 4 of 1,609,576 alleles (0.00025%); highest among the groups gnomAD compares: Admixed American, 0.0017%; no homozygotes.

Submission:

Labcorp Genetics (formerly Invitae), Labcorp
Classification: Uncertain significance for Alstrom syndrome. Last evaluated: 2025-09-21. Review status: criteria provided, single submitter. Criteria: Invitae Variant Classification Sherloc (09022015). Collection method: clinical testing. Allele origin: germline.
Comment: This sequence change replaces arginine, which is basic and polar, with glutamine, which is neutral and polar, at codon 2512 of the ALMS1 protein (p.Arg2512Gln). The frequency data for this variant in the population databases is considered unreliable, as metrics indicate poor data quality at this position in the gnomAD database. This variant has not been reported in the literature in individuals affected with ALMS1-related conditions. ClinVar contains an entry for this variant (Variation ID: 1926645). Experimental studies and prediction algorithms are not available or were not evaluated, and the functional significance of this variant is currently unknown. In summary, the available evidence is currently insufficient to determine the role of this variant in disease. Therefore, it has been classified as a Variant of Uncertain Significance.